The following is an entry in ClinVar:

ClinVar aggregate classification (germline): Uncertain significance (1 of 4 stars; one submission).

Conditions:
GTP cyclohydrolase I deficiency. Identifiers: MedGen C0268467, MONDO:0100184.
Dystonia 5 (DRD). Also called: DYSTONIA, PROGRESSIVE, WITH DIURNAL VARIATION; DYSTONIA-PARKINSONISM WITH DIURNAL FLUCTUATION; Dystonia, DOPA-responsive, with or without hyperphenylalaninemia; GTP Cyclohydrolase 1-Deficient Dopa-Responsive Dystonia; DYT-GCH1. Identifiers: Orphanet 98808, MedGen C1851920, MONDO:0007495, OMIM 128230.

Allele frequency attached by ClinVar (database versions not stated): TOPMed below 0.00001; gnomAD 0.00001.
gnomAD v4.1: 2 of 1,483,774 alleles (0.00013%); highest among the groups gnomAD compares: Non-Finnish European, 0.000089%; no homozygotes.

Submission:

Labcorp Genetics (formerly Invitae), Labcorp
Classification: Uncertain significance for GTP cyclohydrolase I deficiency; Dystonia 5. Last evaluated: 2023-07-25. Review status: criteria provided, single submitter. Criteria: Invitae Variant Classification Sherloc (09022015). Collection method: clinical testing. Allele origin: germline.
Comment: In summary, the available evidence is currently insufficient to determine the role of this variant in disease. Therefore, it has been classified as a Variant of Uncertain Significance. Advanced modeling of protein sequence and biophysical properties (such as structural, functional, and spatial information, amino acid conservation, physicochemical variation, residue mobility, and thermodynamic stability) performed at Invitae indicates that this missense variant is not expected to disrupt GCH1 protein function. This variant has not been reported in the literature in individuals affected with GCH1-related conditions. This variant is not present in population databases (gnomAD no frequency). This sequence change replaces proline, which is neutral and non-polar, with serine, which is neutral and polar, at codon 9 of the GCH1 protein (p.Pro9Ser).

NM_000161.3(GCH1):c.25C>T (p.Pro9Ser)

Genes: GCH1 (GTP cyclohydrolase 1; minus strand), LOC130055692 (ATAC-STARR-seq lymphoblastoid silent region 5776; plus strand). Cytogenetic location: 14q22.2.
Variant type: single nucleotide variant.
Coding change: c.25C>T on transcript NM_000161.3 (MANE Select); coding-DNA position 25, C replaced by T.
Protein change: p.Pro9Ser; replaces proline 9 with serine.
Molecular consequence: missense variant.
Genome position (GRCh38, 1-based): chr14:54,902,639, G>A on the plus strand (C>T on the coding strand, the complement: GCH1 is on the minus strand). VCF-style: chr14-54902639-G-A. GRCh37 (hg19) VCF-style: chr14-55369357-G-A.
Other names: c.25C>T, p.Pro9Ser (NM_001024024.2, NM_001024070.2, NM_001024071.2 and 1 more transcripts); short protein forms P9S.
Identifiers: ClinVar variation 2932919 (VCV002932919.3), dbSNP rs1248808303, ClinGen allele CA389794875.